The following is an entry in ClinVar:

NM_002047.4(GARS1):c.1315C>T (p.His439Tyr)

Gene: GARS1 (glycyl-tRNA synthetase 1; plus strand). Cytogenetic location: 7p14.3.
Variant type: single nucleotide variant.
Coding change: c.1315C>T on transcript NM_002047.4 (MANE Select); coding-DNA position 1315, C replaced by T.
Protein change: p.His439Tyr; replaces histidine 439 with tyrosine.
Molecular consequence: missense variant.
Genome position (GRCh38, 1-based): chr7:30,617,234, C>T. VCF-style: chr7-30617234-C-T. GRCh37 (hg19) VCF-style: chr7-30656850-C-T.
Other names: c.1153C>T, p.His385Tyr (NM_001316772.1); short protein forms H385Y, H439Y.
Identifiers: ClinVar variation 1006031 (VCV001006031.8), dbSNP rs1782906838, ClinGen allele CA367127388.

ClinVar aggregate classification (germline): Uncertain significance (1 of 4 stars; one submission).

Conditions:
Charcot-Marie-Tooth disease type 2. Also called: Charcot-Marie-Tooth type 2. Identifiers: Orphanet 64746, MedGen C0270914, MONDO:0018993.

Submission:

Labcorp Genetics (formerly Invitae), Labcorp
Classification: Uncertain significance for Charcot-Marie-Tooth disease type 2. Last evaluated: 2022-02-04. Review status: criteria provided, single submitter. Criteria: Invitae Variant Classification Sherloc (09022015). Collection method: clinical testing. Allele origin: germline.
Comment: This sequence change replaces histidine, which is basic and polar, with tyrosine, which is neutral and polar, at codon 439 of the GARS protein (p.His439Tyr). This variant is not present in population databases (gnomAD no frequency). This variant has not been reported in the literature in individuals affected with GARS-related conditions. ClinVar contains an entry for this variant (Variation ID: 1006031). Algorithms developed to predict the effect of missense changes on protein structure and function (SIFT, PolyPhen-2, Align-GVGD) all suggest that this variant is likely to be disruptive. In summary, the available evidence is currently insufficient to determine the role of this variant in disease. Therefore, it has been classified as a Variant of Uncertain Significance.